The following is an entry in ClinVar:

ClinVar aggregate classification (germline): Uncertain significance (1 of 4 stars; one submission).

Submission:

Labcorp Genetics (formerly Invitae), Labcorp
Classification: Uncertain significance. Last evaluated: 2022-08-16. Review status: criteria provided, single submitter. Criteria: Invitae Variant Classification Sherloc (09022015). Collection method: clinical testing. Allele origin: germline.
Comment: In summary, the available evidence is currently insufficient to determine the role of this variant in disease. Therefore, it has been classified as a Variant of Uncertain Significance. Algorithms developed to predict the effect of missense changes on protein structure and function are either unavailable or do not agree on the potential impact of this missense change (SIFT: "Deleterious"; PolyPhen-2: "Possibly Damaging"; Align-GVGD: "Class C0"). This variant has not been reported in the literature in individuals affected with HMCN1-related conditions. This variant is not present in population databases (gnomAD no frequency). This sequence change replaces isoleucine, which is neutral and non-polar, with valine, which is neutral and non-polar, at codon 5552 of the HMCN1 protein (p.Ile5552Val).

NM_031935.3(HMCN1):c.16654A>G (p.Ile5552Val)

Gene: HMCN1 (hemicentin 1; plus strand). Cytogenetic location: 1q31.1.
Variant type: single nucleotide variant.
Coding change: c.16654A>G on transcript NM_031935.3 (MANE Select); coding-DNA position 16654, A replaced by G.
Protein change: p.Ile5552Val; replaces isoleucine 5552 with valine.
Molecular consequence: missense variant.
Genome position (GRCh38, 1-based): chr1:186,189,624, A>G. VCF-style: chr1-186189624-A-G. GRCh37 (hg19) VCF-style: chr1-186158756-A-G.
Other names: short protein forms I5552V.
Identifiers: ClinVar variation 2134835 (VCV002134835.4), dbSNP rs931927965, ClinGen allele CA33472966.